The following is an entry in ClinVar:

NM_017831.4(RNF125):c.132A>G (p.Leu44=)

Genes: RNF125 (ring finger protein 125; plus strand), LOC121852963 (Sharpr-MPRA regulatory region 13938; plus strand). Cytogenetic location: 18q12.1.
Variant type: single nucleotide variant.
Coding change: c.132A>G on transcript NM_017831.4 (MANE Select); coding-DNA position 132, A replaced by G.
Protein change: p.Leu44=; no amino-acid change (leucine 44 retained).
Molecular consequence: synonymous variant.
Genome position (GRCh38, 1-based): chr18:32,018,995, A>G. VCF-style: chr18-32018995-A-G. GRCh37 (hg19) VCF-style: chr18-29598958-A-G.
Identifiers: ClinVar variation 772500 (VCV000772500.16), dbSNP rs150801287, ClinGen allele CA8930389.

ClinVar aggregate classification (germline): Benign/Likely benign. Review status: criteria provided, multiple submitters, no conflicts (2 of 4 stars). 2 submissions from 2 submitters: Benign (1); Likely benign (1). Last evaluated 2026-03-01.

Conditions:
Tenorio syndrome (TNORS). Also called: OVERGROWTH, MACROCEPHALY, AND INTELLECTUAL DISABILITY SYNDROME. Identifiers: MedGen C4015710, MONDO:0014553, OMIM 616260.

Allele frequency attached by ClinVar (database versions not stated): ESP Exome Variant Server 0.00223; gnomAD 0.00228 and 0.00222; TOPMed 0.00251; 1000 Genomes Project 0.00399; 1000 Genomes Project 30x 0.00468; gnomAD exomes 0.00024 and 0.00064.
gnomAD v4.1: 686 of 1,613,462 alleles (0.043%); highest among the groups gnomAD compares: African/African-American, 0.82%; 4 homozygotes.

Submissions (2):

CeGaT Center for Human Genetics Tuebingen
Classification: Likely benign. Last evaluated: 2026-03-01. Review status: criteria provided, single submitter. Criteria: CeGaT Center For Human Genetics Tuebingen Variant Classification Criteria Version 2. Collection method: clinical testing. Allele origin: germline. Affected: yes. Observed: 2 variant alleles.
Comment: RNF125: BP4, BP7

Labcorp Genetics (formerly Invitae), Labcorp
Classification: Benign for Tenorio syndrome. Last evaluated: 2025-10-01. Review status: criteria provided, single submitter. Criteria: Invitae Variant Classification Sherloc (09022015). Collection method: clinical testing. Allele origin: germline.